The following is an entry in ClinVar:

ClinVar aggregate classification (germline): Pathogenic (1 of 4 stars; one submission).

Conditions:
Multiple congenital exostosis (EXT). Also called: Multiple exostoses; Hereditary multiple exostoses; Hereditary multiple exostosis; Hereditary multiple osteochondromas; MULTIPLE CARTILAGINOUS EXOSTOSES; Multiple osteochondromas. Identifiers: Orphanet 321, MedGen C0015306, MONDO:0005508, HP:0002762.

Submission:

Labcorp Genetics (formerly Invitae), Labcorp
Classification: Pathogenic for Multiple congenital exostosis. Last evaluated: 2022-06-24. Review status: criteria provided, single submitter. Criteria: Invitae Variant Classification Sherloc (09022015). Collection method: clinical testing. Allele origin: germline.
Comment: For these reasons, this variant has been classified as Pathogenic. ClinVar contains an entry for this variant (Variation ID: 935641). This premature translational stop signal has been observed in individual(s) with multiple osteochondromas (Invitae). This variant is not present in population databases (gnomAD no frequency). This sequence change creates a premature translational stop signal (p.Lys96*) in the EXT1 gene. It is expected to result in an absent or disrupted protein product. Loss-of-function variants in EXT1 are known to be pathogenic (PMID: 10679937, 11391482, 19810120).

Literature cited by the submitters: PubMed 10679937; PubMed 11391482; PubMed 19810120.

NM_000127.3(EXT1):c.286A>T (p.Lys96Ter)

Gene: EXT1 (exostosin glycosyltransferase 1; minus strand). Cytogenetic location: 8q24.11.
Variant type: single nucleotide variant.
Coding change: c.286A>T on transcript NM_000127.3 (MANE Select); coding-DNA position 286, A replaced by T.
Protein change: p.Lys96Ter; replaces lysine 96 with a stop codon.
Molecular consequence: nonsense.
Genome position (GRCh38, 1-based): chr8:118,110,761, T>A on the plus strand (A>T on the coding strand, the complement: EXT1 is on the minus strand). VCF-style: chr8-118110761-T-A. GRCh37 (hg19) VCF-style: chr8-119123000-T-A.
Other names: short protein forms K96*.
Identifiers: ClinVar variation 935641 (VCV000935641.9), dbSNP rs1817884837, ClinGen allele CA371916198.